The following is an entry in ClinVar:

ClinVar aggregate classification (germline): Likely pathogenic. Review status: criteria provided, multiple submitters, no conflicts (2 of 4 stars). 3 submissions from 3 submitters: Likely pathogenic (3). Last evaluated 2025-06-30.

Conditions:
Autosomal recessive limb-girdle muscular dystrophy type 2J (LGMDR10). Also called: Limb-girdle muscular dystrophy, type 2J; MUSCULAR DYSTROPHY, LIMB-GIRDLE, AUTOSOMAL RECESSIVE 10. Identifiers: Orphanet 140922, MedGen C1837342, MONDO:0012127, OMIM 608807.
Dilated cardiomyopathy 1G (CMD1G). Identifiers: Orphanet 154, MedGen C1858763, MONDO:0011400, OMIM 604145.
Hypertrophic cardiomyopathy 9. Also called: Familial hypertrophic cardiomyopathy 9. Identifiers: MedGen C1861065, MONDO:0013412, OMIM 613765.
Tibial muscular dystrophy (TMD). Also called: UDD MYOPATHY; Udd Distal Myopathy – Tibial Muscular Dystrophy; Tibial muscular dystrophy, tardive. Identifiers: Orphanet 609, MedGen C1838244, MONDO:0010870, OMIM 600334.
Early-onset myopathy with fatal cardiomyopathy (CMYO5). Also called: Salih Myopathy; CONGENITAL MYOPATHY 5 WITH CARDIOMYOPATHY. Identifiers: Orphanet 289377, MedGen C2673677, MONDO:0012714, OMIM 611705. Disease mechanism: loss of function.
Myopathy, myofibrillar, 9, with early respiratory failure (MFM9). Also called: MYOPATHY, PROXIMAL, WITH EARLY RESPIRATORY MUSCLE INVOLVEMENT; Hereditary myopathy with early respiratory failure; EDSTROM MYOPATHY; Myopathy, distal, with early respiratory failure, autosomal dominant. Identifiers: Orphanet 178464, Orphanet 34521, MedGen C1863599, MONDO:0011362, OMIM 603689.

Submissions (3):

GeneDx
Classification: Likely pathogenic. Last evaluated: 2025-06-30. Review status: criteria provided, single submitter. Criteria: GeneDx Variant Classification Process June 2021. Collection method: clinical testing. Allele origin: germline. Affected: yes.
Comment: Nonsense variant predicted to result in protein truncation or nonsense mediated decay in a gene for which loss of function is a known mechanism of disease; Not observed at significant frequency in large population cohorts (gnomAD); Has not been previously published as pathogenic or benign to our knowledge; This variant is associated with the following publications: (PMID: 22335739, 32778822)

Labcorp Genetics (formerly Invitae), Labcorp
Classification: Likely pathogenic for Dilated cardiomyopathy 1G; Autosomal recessive limb-girdle muscular dystrophy type 2J. Last evaluated: 2024-10-10. Review status: criteria provided, single submitter. Criteria: Invitae Variant Classification Sherloc (09022015). Collection method: clinical testing. Allele origin: germline.
Comment: This sequence change creates a premature translational stop signal (p.Tyr25579*) in the TTN gene. While this is not anticipated to result in nonsense mediated decay, it is expected to create a truncated TTN protein. This variant is not present in population databases (gnomAD no frequency). This premature translational stop signal has been observed in individual(s) with dilated cardiomyopathy (internal data). ClinVar contains an entry for this variant (Variation ID: 939545). This variant is located in the A band of TTN (PMID: 25589632). Truncating variants in this region are significantly overrepresented in patients affected with dilated cardiomyopathy (PMID: 25589632). Truncating variants in this region have also been reported in individuals affected with autosomal recessive centronuclear myopathy (PMID: 23975875). In summary, the currently available evidence indicates that the variant is pathogenic, but additional data are needed to prove that conclusively. Therefore, this variant has been classified as Likely Pathogenic.

Fulgent Genetics
Classification: Likely pathogenic for Tibial muscular dystrophy; Myopathy, myofibrillar, 9, with early respiratory failure; Dilated cardiomyopathy 1G; Autosomal recessive limb-girdle muscular dystrophy type 2J; Early-onset myopathy with fatal cardiomyopathy; Hypertrophic cardiomyopathy 9. Last evaluated: 2022-03-09. Review status: criteria provided, single submitter. Criteria: ACMG Guidelines, 2015. Collection method: clinical testing. Allele origin: unknown.

Literature cited by the submitters: PubMed 25589632 (cited by Labcorp Genetics (formerly Invitae), Labcorp); PubMed 23975875 (cited by Labcorp Genetics (formerly Invitae), Labcorp).

NM_001267550.2(TTN):c.76737T>A (p.Tyr25579Ter)

Genes: TTN (titin; minus strand), TTN-AS1 (TTN antisense RNA 1; plus strand). Cytogenetic location: 2q31.2.
Variant type: single nucleotide variant.
Coding change: c.76737T>A on transcript NM_001267550.2 (MANE Select); coding-DNA position 76737, T replaced by A.
Protein change: p.Tyr25579Ter; replaces tyrosine 25579 with a stop codon.
Molecular consequence: nonsense.
Genome position (GRCh38, 1-based): chr2:178,569,395, A>T on the plus strand (T>A on the coding strand, the complement: TTN is on the minus strand). VCF-style: chr2-178569395-A-T. GRCh37 (hg19) VCF-style: chr2-179434122-A-T.
Other names: c.76737T>A (NM_001267550.1); c.71814T>A, p.Tyr23938Ter (NM_001256850.1); c.49542T>A, p.Tyr16514Ter (NM_003319.4); c.69033T>A, p.Tyr23011Ter (NM_133378.4); c.49917T>A, p.Tyr16639Ter (NM_133432.3); c.50118T>A, p.Tyr16706Ter (NM_133437.4); short protein forms Y25579*, Y16514*, Y16639*, Y16706*, Y23011*, Y23938*.
Identifiers: ClinVar variation 939545 (VCV000939545.13), dbSNP rs1707280155, ClinGen allele CA349614200.